The following is an entry in ClinVar:

ClinVar aggregate classification (germline): Uncertain significance (1 of 4 stars; one submission).

Submission:

GeneDx
Classification: Uncertain significance. Last evaluated: 2024-08-11. Review status: criteria provided, single submitter. Criteria: GeneDx Variant Classification Process June 2021. Collection method: clinical testing. Allele origin: germline. Affected: yes.
Comment: Not observed at significant frequency in large population cohorts (gnomAD); In silico analysis indicates that this missense variant does not alter protein structure/function; Has not been previously published as pathogenic or benign to our knowledge

NM_003106.4(SOX2):c.8A>G (p.Asn3Ser)

Genes: SOX2 (SRY-box transcription factor 2; plus strand), SOX2-OT (SOX2 overlapping transcript; plus strand), LOC108281177 (SOX2 5' regulatory region; plus strand). Cytogenetic location: 3q26.33.
Variant type: single nucleotide variant.
Coding change: c.8A>G on transcript NM_003106.4 (MANE Select); coding-DNA position 8, A replaced by G.
Protein change: p.Asn3Ser; replaces asparagine 3 with serine.
Molecular consequence: missense variant.
Genome position (GRCh38, 1-based): chr3:181,712,368, A>G. VCF-style: chr3-181712368-A-G. GRCh37 (hg19) VCF-style: chr3-181430156-A-G.
Other names: short protein forms N3S.
Identifiers: ClinVar variation 3731003 (VCV003731003.1).
Genomic context (GRCh38, chr3:181,712,368, plus strand): 5'-CCGGGCCGAGGGTCGGCGGCCGCCGGCGGGCCGGGCCCGCGCACAGCGCCCGCATGTACA[A>G]CATGATGGAGACGGAGCTGAAGCCGCCGGGCCCGCAGCAAACTTCGGGGGGCGGCGGCGG-3'
Protein context (NP_003097.1, residues 1-13): MY[Asn3Ser]MMETELKPPG